The following is an entry in ClinVar:

ClinVar aggregate classification (germline): Uncertain significance (1 of 4 stars; one submission).

Conditions:
Cardiovascular phenotype. Identifiers: MedGen CN230736.

Submission:

Ambry Genetics
Classification: Uncertain significance for Cardiovascular phenotype. Last evaluated: 2025-08-03. Review status: criteria provided, single submitter. Criteria: Ambry Variant Classification Scheme 2023. Collection method: clinical testing. Allele origin: germline.
Comment: The p.E212G variant (also known as c.635A>G), located in coding exon 8 of the TRDN gene, results from an A to G substitution at nucleotide position 635. The glutamic acid at codon 212 is replaced by glycine, an amino acid with similar properties. This amino acid position is conserved. In addition, this alteration is predicted to be tolerated by in silico analysis. Based on the available evidence, the clinical significance of this variant remains unclear.

NM_006073.4(TRDN):c.635A>G (p.Glu212Gly)

Gene: TRDN (triadin; minus strand). Cytogenetic location: 6q22.31.
Variant type: single nucleotide variant.
Coding change: c.635A>G on transcript NM_006073.4 (MANE Select); coding-DNA position 635, A replaced by G.
Protein change: p.Glu212Gly; replaces glutamic acid 212 with glycine.
Molecular consequence: missense variant.
Genome position (GRCh38, 1-based): chr6:123,503,877, T>C on the plus strand (A>G on the coding strand, the complement: TRDN is on the minus strand). VCF-style: chr6-123503877-T-C. GRCh37 (hg19) VCF-style: chr6-123825022-T-C.
Other names: c.635A>G, p.Glu212Gly (NM_001251987.2, NM_001256020.2, NM_001256021.2 and 1 more transcripts); short protein forms E212G.
Identifiers: ClinVar variation 4190192 (VCV004190192.1).